The following is an entry in ClinVar:

ClinVar aggregate classification (germline): Uncertain significance (1 of 4 stars; one submission).

Submission:

GeneDx
Classification: Uncertain significance. Last evaluated: 2022-08-01. Review status: criteria provided, single submitter. Criteria: GeneDx Variant Classification Process June 2021. Collection method: clinical testing. Allele origin: germline. Affected: yes.
Comment: Not observed at significant frequency in large population cohorts (gnomAD); In silico analysis supports that this missense variant does not alter protein structure/function; Has not been previously published as pathogenic or benign to our knowledge

NM_005458.8(GABBR2):c.2755G>C (p.Val919Leu)

Gene: GABBR2 (gamma-aminobutyric acid type B receptor subunit 2; minus strand). Cytogenetic location: 9q22.33.
Variant type: single nucleotide variant.
Coding change: c.2755G>C on transcript NM_005458.8 (MANE Select); coding-DNA position 2755, G replaced by C.
Protein change: p.Val919Leu; replaces valine 919 with leucine.
Molecular consequence: missense variant.
Genome position (GRCh38, 1-based): chr9:98,290,655, C>G on the plus strand (G>C on the coding strand, the complement: GABBR2 is on the minus strand). VCF-style: chr9-98290655-C-G. GRCh37 (hg19) VCF-style: chr9-101052937-C-G.
Other names: short protein forms V919L.
Identifiers: ClinVar variation 2428910 (VCV002428910.3), dbSNP rs199985270, ClinGen allele CA374209446.
Genomic context (GRCh38, chr9:98,290,655, plus strand): 5'-AGACCATGACTCGGAAGGAGGGTGGCACATGTCTGTGGCGGGGGCTGGCGGTGGGGCTGA[C>G]GCAGGGGCTGACACAGCTGGCGTCCACGCCTCCGATGGATGGGAGGTAGGCGTGGTGGAG-3'
Protein context (NP_005449.5, residues 909-929): GVDASCVSPC[Val919Leu]SPTASPRHRH